The following is an entry in ClinVar:

ClinVar aggregate classification (germline): Uncertain significance (1 of 4 stars; one submission).

gnomAD v4.1: 2 of 1,611,938 alleles (0.00012%); highest among the groups gnomAD compares: Non-Finnish European, 0.00017%; no homozygotes.

Submission:

GeneDx
Classification: Uncertain significance. Last evaluated: 2026-02-08. Review status: criteria provided, single submitter. Criteria: GeneDx Variant Classification Process June 2021. Collection method: clinical testing. Allele origin: germline.
Comment: Not observed at significant frequency in large population cohorts (gnomAD); In silico analysis suggests that this missense variant does not alter protein structure/function; Has not been previously published as pathogenic or benign to our knowledge

NM_007118.4(TRIO):c.8644G>C (p.Val2882Leu)

Gene: TRIO (trio Rho guanine nucleotide exchange factor; plus strand). Cytogenetic location: 5p15.2.
Variant type: single nucleotide variant.
Coding change: c.8644G>C on transcript NM_007118.4 (MANE Select); coding-DNA position 8644, G replaced by C.
Protein change: p.Val2882Leu; replaces valine 2882 with leucine.
Molecular consequence: missense variant. On other transcripts: non-coding transcript variant (1).
Genome position (GRCh38, 1-based): chr5:14,507,153, G>C. VCF-style: chr5-14507153-G-C. GRCh37 (hg19) VCF-style: chr5-14507262-G-C.
Other names: short protein forms V2882L.
Identifiers: ClinVar variation 3381327 (VCV003381327.2).
Genomic context (GRCh38, chr5:14,507,153, plus strand): 5'-ATAACAGTCACCCGCTCCTGCCTCTTTAGGGCTGACCAGGGTCGCCTCCTGGACTGCGTG[G>C]TGCGATGGGGAAGCCTCACTGAAGGGAAGATCAGGGCGCACCTGGGGGAGGTTCTGGAAG-3'
Protein context (NP_009049.2, residues 2872-2892): ADQGRLLDCV[Val2882Leu]RWGSLTEGKI